The following is an entry in ClinVar:

ClinVar aggregate classification (germline): Pathogenic/Likely pathogenic. Review status: criteria provided, multiple submitters, no conflicts (2 of 4 stars). 2 submissions from 2 submitters: Pathogenic (1); Likely pathogenic (1). Last evaluated 2024-05-24.

Conditions:
Aspartylglucosaminuria (AGU). Also called: AGA DEFICIENCY; GLYCOASPARAGINASE; GLYCOSYLASPARAGINASE DEFICIENCY; Aspartylglucos-aminuria; Aspartylglucos-amidase (AGA) deficiency. Identifiers: Orphanet 93, MedGen C0268225, MONDO:0008830, OMIM 208400, HP:0012068.

Allele frequency attached by ClinVar (database versions not stated): gnomAD 0.00001; TOPMed 0.00002.

Submissions (2):

Fulgent Genetics
Classification: Likely pathogenic for Aspartylglucosaminuria. Last evaluated: 2024-05-24. Review status: criteria provided, single submitter. Criteria: ACMG Guidelines, 2015. Collection method: clinical testing. Allele origin: germline.

Labcorp Genetics (formerly Invitae), Labcorp
Classification: Pathogenic for Aspartylglucosaminuria. Last evaluated: 2022-08-22. Review status: criteria provided, single submitter. Criteria: Invitae Variant Classification Sherloc (09022015). Collection method: clinical testing. Allele origin: germline.
Comment: For these reasons, this variant has been classified as Pathogenic. This variant has not been reported in the literature in individuals affected with AGA-related conditions. This sequence change creates a premature translational stop signal (p.Leu126*) in the AGA gene. It is expected to result in an absent or disrupted protein product. Loss-of-function variants in AGA are known to be pathogenic (PMID: 7627186, 11309371). This variant is not present in population databases (gnomAD no frequency).

Literature cited by the submitters: PubMed 7627186 (cited by Labcorp Genetics (formerly Invitae), Labcorp); PubMed 11309371 (cited by Labcorp Genetics (formerly Invitae), Labcorp).

NM_000027.4(AGA):c.375_378del (p.Thr125_Leu126insTer)

Gene: AGA (aspartylglucosaminidase; minus strand). Cytogenetic location: 4q34.3.
Variant type: Deletion.
Coding change: c.375_378del on transcript NM_000027.4 (MANE Select); coding-DNA positions 375 to 378, 4 bases deleted (ACTT; older notation c.375_378delACTT).
Protein change: p.Thr125_Leu126insTer.
Molecular consequence: frameshift variant. On other transcripts: non-coding transcript variant (1).
Genome position (GRCh38, 1-based): chr4:177,439,592-177,439,595, AAGT deleted on the plus strand (ACTT on the coding strand, the reverse complement: AGA is on the minus strand). VCF-style (leftmost placement, unchanged base first): chr4-177439591-AAAGT-A. GRCh37 (hg19) VCF-style: chr4-178360745-AAAGT-A.
Other names: c.375_378del, p.Thr125_Leu126insTer (NM_001171988.2).
Identifiers: ClinVar variation 1980037 (VCV001980037.8), dbSNP rs1736926873, ClinGen allele CA1071330604.